The following is an entry in ClinVar:

ClinVar aggregate classification (germline): Uncertain significance (1 of 4 stars; one submission).

Submission:

Labcorp Genetics (formerly Invitae), Labcorp
Classification: Uncertain significance. Last evaluated: 2022-09-21. Review status: criteria provided, single submitter. Criteria: Invitae Variant Classification Sherloc (09022015). Collection method: clinical testing. Allele origin: germline.
Comment: In summary, the available evidence is currently insufficient to determine the role of this variant in disease. Therefore, it has been classified as a Variant of Uncertain Significance. Advanced modeling of protein sequence and biophysical properties (such as structural, functional, and spatial information, amino acid conservation, physicochemical variation, residue mobility, and thermodynamic stability) performed at Invitae indicates that this missense variant is not expected to disrupt PRPF8 protein function. This variant has not been reported in the literature in individuals affected with PRPF8-related conditions. This variant is not present in population databases (gnomAD no frequency). This sequence change replaces glutamic acid, which is acidic and polar, with aspartic acid, which is acidic and polar, at codon 2053 of the PRPF8 protein (p.Glu2053Asp).

NM_006445.4(PRPF8):c.6159G>C (p.Glu2053Asp)

Gene: PRPF8 (pre-mRNA processing factor 8; minus strand). Cytogenetic location: 17p13.3.
Variant type: single nucleotide variant.
Coding change: c.6159G>C on transcript NM_006445.4 (MANE Select); coding-DNA position 6159, G replaced by C.
Protein change: p.Glu2053Asp; replaces glutamic acid 2053 with aspartic acid.
Molecular consequence: missense variant.
Genome position (GRCh38, 1-based): chr17:1,653,845, C>G on the plus strand (G>C on the coding strand, the complement: PRPF8 is on the minus strand). VCF-style: chr17-1653845-C-G. GRCh37 (hg19) VCF-style: chr17-1557139-C-G.
Other names: short protein forms E2053D.
Identifiers: ClinVar variation 1719989 (VCV001719989.6), dbSNP rs2543717482, ClinGen allele CA397567242.
Genomic context (GRCh38, chr17:1,653,845, plus strand): 5'-CCACTCAGTCTTGGATGAGAAAGTCTGGGTCTCATAGTTGCTGGTGGTGGAGGTGATGAT[C>G]TCATCGCCATGCTTGTTGACAGTGCGAGTCTGTGTTGCCGTCAGCTGCGATTGTTCCTTG-3'
Protein context (NP_006436.3, residues 2043-2063): QTRTVNKHGD[Glu2053Asp]IITSTTSNYE